The following is an entry in ClinVar:

NM_016343.4(CENPF):c.1192G>A (p.Glu398Lys)

Gene: CENPF (centromere protein F; plus strand). Cytogenetic location: 1q41.
Variant type: single nucleotide variant.
Coding change: c.1192G>A on transcript NM_016343.4 (MANE Select); coding-DNA position 1192, G replaced by A.
Protein change: p.Glu398Lys; replaces glutamic acid 398 with lysine.
Molecular consequence: missense variant.
Genome position (GRCh38, 1-based): chr1:214,629,169, G>A. VCF-style: chr1-214629169-G-A. GRCh37 (hg19) VCF-style: chr1-214802512-G-A.
Other names: short protein forms E398K.
Identifiers: ClinVar variation 1314785 (VCV001314785.2), dbSNP rs774833797, ClinGen allele CA1389954.
Genomic context (GRCh38, chr1:214,629,169, plus strand): 5'-GCAGAAAGTGCCAGATGTTCTCTGGAACAGAAAATTAAGGAAAAAGAAAAGGAGTTTCAA[G>A]AGGTAAGGTAAATGGATTCATGAGGTGTTTGTCTGAAAGGCTTTTTATGGGCTTTTCATA-3'
Protein context (NP_057427.3, residues 388-408): KIKEKEKEFQ[Glu398Lys]ELSRQQRSFQ

ClinVar aggregate classification (germline): Uncertain significance (1 of 4 stars; one submission).

Allele frequency attached by ClinVar (database versions not stated): gnomAD exomes below 0.00001; TOPMed below 0.00001; ExAC 0.00001.
gnomAD v4.1: 1 of 1,605,668 alleles (0.000062%); highest among the groups gnomAD compares: Non-Finnish European, 0.000085%; no homozygotes.

Submission:

GeneDx
Classification: Uncertain significance. Last evaluated: 2021-04-26. Review status: criteria provided, single submitter. Criteria: GeneDx Variant Classification Process June 2021. Collection method: clinical testing. Allele origin: germline. Affected: yes.
Comment: Not observed at a significant frequency in large population cohorts (Lek et al., 2016); In silico analysis supports that this missense variant does not alter protein structure/function; Has not been previously published as pathogenic or benign to our knowledge